The following is an entry in ClinVar:

NM_024666.5(AAGAB):c.361+1G>A

Gene: AAGAB (alpha and gamma adaptin binding protein; minus strand). Cytogenetic location: 15q23.
Variant type: single nucleotide variant.
Coding change: c.361+1G>A on transcript NM_024666.5 (MANE Select); the canonical splice donor site of the intron after coding-DNA position 361, G replaced by A.
Molecular consequence: splice donor variant.
Genome position (GRCh38, 1-based): chr15:67,236,407, C>T on the plus strand (G>A on the coding strand, the complement: AAGAB is on the minus strand). VCF-style: chr15-67236407-C-T. GRCh37 (hg19) VCF-style: chr15-67528745-C-T.
Other names: c.34+1G>A (NM_001271885.2, NM_001271886.2).
Identifiers: ClinVar variation 5005451 (VCV005005451.2).

ClinVar aggregate classification (germline): Likely pathogenic (1 of 4 stars; one submission).

Conditions:
Palmoplantar keratoderma, punctate type 1A (PPKP1A). Also called: PALMOPLANTAR KERATODERMA, PUNCTATE TYPE IA. Identifiers: Orphanet 79501, MedGen CN031225, MONDO:0007858, OMIM 148600.

Submission:

Juno Genomics, Hangzhou Juno Genomics, Inc
Classification: Likely pathogenic for Palmoplantar keratoderma, punctate type 1A. Review status: criteria provided, single submitter. Criteria: ACMG Guidelines, 2015. Collection method: clinical testing. Allele origin: germline.
Comment: Null variant in a gene where loss of function (LOF) is a known mechanism of disease.;Absent from controls (or at extremely low frequency if recessive) in Genome Aggregation Database.